The following is an entry in ClinVar:

NM_001035.3(RYR2):c.2116T>C (p.Tyr706His)

Gene: RYR2 (ryanodine receptor 2; plus strand). Cytogenetic location: 1q43.
Variant type: single nucleotide variant.
Coding change: c.2116T>C on transcript NM_001035.3 (MANE Select); coding-DNA position 2116, T replaced by C.
Protein change: p.Tyr706His; replaces tyrosine 706 with histidine.
Molecular consequence: missense variant.
Genome position (GRCh38, 1-based): chr1:237,496,665, T>C. VCF-style: chr1-237496665-T-C. GRCh37 (hg19) VCF-style: chr1-237659965-T-C.
Other names: short protein forms Y706H.
Identifiers: ClinVar variation 2756948 (VCV002756948.3), dbSNP rs2545836333, ClinGen allele CA345391990.

ClinVar aggregate classification (germline): Uncertain significance (1 of 4 stars; one submission).

Conditions:
Catecholaminergic polymorphic ventricular tachycardia 1. Also called: VENTRICULAR TACHYCARDIA, STRESS-INDUCED POLYMORPHIC 1; VENTRICULAR TACHYCARDIA, CATECHOLAMINERGIC POLYMORPHIC, 1, WITH OR WITHOUT ATRIAL DYSFUNCTION AND/OR DILATED CARDIOMYOPATHY; RYR2-Related Catecholaminergic Polymorphic Ventricular Tachycardia. Identifiers: Orphanet 3286, MedGen C1631597, MONDO:0011484, OMIM 604772.

Submission:

Labcorp Genetics (formerly Invitae), Labcorp
Classification: Uncertain significance for Catecholaminergic polymorphic ventricular tachycardia 1. Last evaluated: 2023-08-31. Review status: criteria provided, single submitter. Criteria: Invitae Variant Classification Sherloc (09022015). Collection method: clinical testing. Allele origin: germline.
Comment: This sequence change replaces tyrosine, which is neutral and polar, with histidine, which is basic and polar, at codon 706 of the RYR2 protein (p.Tyr706His). This variant is not present in population databases (gnomAD no frequency). This variant has not been reported in the literature in individuals affected with RYR2-related conditions. In summary, the available evidence is currently insufficient to determine the role of this variant in disease. Therefore, it has been classified as a Variant of Uncertain Significance. Advanced modeling of protein sequence and biophysical properties (such as structural, functional, and spatial information, amino acid conservation, physicochemical variation, residue mobility, and thermodynamic stability) has been performed at Invitae for this missense variant, however the output from this modeling did not meet the statistical confidence thresholds required to predict the impact of this variant on RYR2 protein function.